The following is an entry in ClinVar:

ClinVar aggregate classification (germline): Uncertain significance (1 of 4 stars; one submission).

Submission:

Ambry Genetics
Classification: Uncertain significance. Last evaluated: 2024-09-08. Review status: criteria provided, single submitter. Criteria: Ambry Variant Classification Scheme 2023. Collection method: clinical testing. Allele origin: germline.
Comment: The p.I475N variant (also known as c.1424T>A), located in coding exon 8 of the GALNT12 gene, results from a T to A substitution at nucleotide position 1424. The isoleucine at codon 475 is replaced by asparagine, an amino acid with dissimilar properties. This amino acid position is conserved. In addition, this alteration is predicted to be tolerated by in silico analysis. Based on the available evidence, the clinical significance of this variant remains unclear.

NM_024642.5(GALNT12):c.1424T>A (p.Ile475Asn)

Gene: GALNT12 (polypeptide N-acetylgalactosaminyltransferase 12; plus strand). Cytogenetic location: 9q22.33.
Variant type: single nucleotide variant.
Coding change: c.1424T>A on transcript NM_024642.5 (MANE Select); coding-DNA position 1424, T replaced by A.
Protein change: p.Ile475Asn; replaces isoleucine 475 with asparagine.
Molecular consequence: missense variant.
Genome position (GRCh38, 1-based): chr9:98,844,175, T>A. VCF-style: chr9-98844175-T-A. GRCh37 (hg19) VCF-style: chr9-101606457-T-A.
Other names: short protein forms I475N.
Identifiers: ClinVar variation 3518470 (VCV003518470.1).